The following is an entry in ClinVar:

NM_032930.3(CFAP300):c.478C>T (p.Gln160Ter)

Gene: CFAP300 (cilia and flagella associated protein 300; plus strand). Cytogenetic location: 11q22.1.
Variant type: single nucleotide variant.
Coding change: c.478C>T on transcript NM_032930.3 (MANE Select); coding-DNA position 478, C replaced by T.
Protein change: p.Gln160Ter; replaces glutamine 160 with a stop codon.
Molecular consequence: nonsense. On other transcripts: 3 prime UTR variant (1).
Genome position (GRCh38, 1-based): chr11:102,075,915, C>T. VCF-style: chr11-102075915-C-T. GRCh37 (hg19) VCF-style: chr11-101946646-C-T.
Other names: c.*11C>T (NM_001195005.2); c.478C>T, p.Gln160Ter (NM_001363505.2); short protein forms Q160*.
Identifiers: ClinVar variation 2719579 (VCV002719579.4), dbSNP rs2496352247, ClinGen allele CA382489571.

ClinVar aggregate classification (germline): Pathogenic. Review status: criteria provided, multiple submitters, no conflicts (2 of 4 stars). 2 submissions from 2 submitters: Pathogenic (2). Last evaluated 2026-02-13.

Conditions:
Ciliary dyskinesia, primary, 38 (CILD38). Also called: CILIARY DYSKINESIA, PRIMARY, 38, WITH OR WITHOUT SITUS INVERSUS. Identifiers: MedGen C4748052, MONDO:0054843, OMIM 618063.

Submissions (2):

OLLIN Analises Genomicas, OLLIN
Classification: Pathogenic for Ciliary dyskinesia, primary, 38. Last evaluated: 2026-02-13. Review status: criteria provided, single submitter. Criteria: ACMG Guidelines 2015 PMID 25741868. Collection method: clinical testing. Allele origin: germline. Observed: 1 variant allele.
Comment: PVS1, PM2_P, PM3

Labcorp Genetics (formerly Invitae), Labcorp
Classification: Pathogenic. Last evaluated: 2025-01-23. Review status: criteria provided, single submitter. Criteria: Invitae Variant Classification Sherloc (09022015). Collection method: clinical testing. Allele origin: germline.
Comment: This sequence change creates a premature translational stop signal (p.Gln160*) in the C11orf70 gene. It is expected to result in an absent or disrupted protein product. Loss-of-function variants in C11orf70 are known to be pathogenic (PMID: 29727692, 29727693). This variant is not present in population databases (gnomAD no frequency). This variant has not been reported in the literature in individuals affected with C11orf70-related conditions. ClinVar contains an entry for this variant (Variation ID: 2719579). Algorithms developed to predict the effect of sequence changes on RNA splicing suggest that this variant may disrupt the consensus splice site. For these reasons, this variant has been classified as Pathogenic.

Literature cited by the submitters: PubMed 29727692 (cited by Labcorp Genetics (formerly Invitae), Labcorp); PubMed 29727693 (cited by Labcorp Genetics (formerly Invitae), Labcorp).